The following is an entry in ClinVar:

ClinVar aggregate classification (germline): Uncertain significance (1 of 4 stars; one submission).

gnomAD v4.1: 6 of 1,613,168 alleles (0.00037%); highest among the groups gnomAD compares: African/African-American, 0.0053%; no homozygotes.

Submission:

Labcorp Genetics (formerly Invitae), Labcorp
Classification: Uncertain significance. Last evaluated: 2025-07-29. Review status: criteria provided, single submitter. Criteria: Invitae Variant Classification Sherloc (09022015). Collection method: clinical testing. Allele origin: germline.
Comment: This sequence change replaces isoleucine, which is neutral and non-polar, with methionine, which is neutral and non-polar, at codon 761 of the SLC7A14 protein (p.Ile761Met). This variant is present in population databases (no rsID available, gnomAD 0.01%). This variant has not been reported in the literature in individuals affected with SLC7A14-related conditions. An algorithm developed to predict the effect of missense changes on protein structure and function (PolyPhen-2) suggests that this variant is likely to be disruptive. In summary, the available evidence is currently insufficient to determine the role of this variant in disease. Therefore, it has been classified as a Variant of Uncertain Significance.

NM_020949.3(SLC7A14):c.2283T>G (p.Ile761Met)

Gene: SLC7A14 (solute carrier family 7 member 14; minus strand). Cytogenetic location: 3q26.2.
Variant type: single nucleotide variant.
Coding change: c.2283T>G on transcript NM_020949.3 (MANE Select); coding-DNA position 2283, T replaced by G.
Protein change: p.Ile761Met; replaces isoleucine 761 with methionine.
Molecular consequence: missense variant.
Genome position (GRCh38, 1-based): chr3:170,467,088, A>C on the plus strand (T>G on the coding strand, the complement: SLC7A14 is on the minus strand). VCF-style: chr3-170467088-A-C. GRCh37 (hg19) VCF-style: chr3-170184876-A-C.
Other names: short protein forms I761M.
Identifiers: ClinVar variation 4694879 (VCV004694879.1).
Genomic context (GRCh38, chr3:170,467,088, plus strand): 5'-CCATTTCTACCCACTTGTGTGTTTCTCCTACTCTGGAGAGTAATCTAACTCATCATTTGC[A>C]ATCAGGGCCTCTGAGTTCTGTTTGTGTTTGCTTTTGCTCTTCGCTTTGCTACTTGTCCGG-3'
Protein context (NP_066000.2, residues 751-771): SKHKQNSEAL[Ile761Met]ANDELDYSPE